The following is an entry in ClinVar:

ClinVar aggregate classification (germline): Conflicting classifications of pathogenicity. Review status: criteria provided, conflicting classifications (1 of 4 stars). 7 submissions from 7 submitters: Uncertain significance (1); Likely benign (6). Last evaluated 2026-03-01.

Conditions:
Inborn genetic diseases. Identifiers: MedGen C0950123, MeSH D030342.
Hereditary cancer-predisposing syndrome. Also called: Tumor predisposition; Hereditary neoplastic syndrome; Hereditary Cancer Syndrome; Neoplastic Syndromes, Hereditary. Identifiers: Orphanet 140162, MedGen C0027672, MeSH D009386, MONDO:0015356.
Deafness-lymphedema-leukemia syndrome. Also called: Emberger syndrome; Lymphedema, primary, with myelodysplasia. Identifiers: Orphanet 3226, MedGen C3279664, MONDO:0013540, OMIM 614038.
Monocytopenia with susceptibility to infections. Also called: MONOCYTOPENIA AND MYCOBACTERIAL INFECTION SYNDROME; MONOCYTOPENIA WITH SUSCEPTIBILITY TO MYCOBACTERIAL, FUNGAL, AND PAPILLOMAVIRUS INFECTIONS AND MYELODYSPLASIA; COMBINED IMMUNODEFICIENCY WITH SUSCEPTIBILITY TO MYCOBACTERIAL, VIRAL, AND FUNGAL INFECTIONS; Dendritic cell, monocyte, B lymphocyte, and natural killer lymphocyte deficiency; IMMUNODEFICIENCY 21; GATA2 DEFICIENCY. Identifiers: Orphanet 228423, MedGen C3280030, MONDO:0013607, OMIM 614172.

Allele frequency attached by ClinVar (database versions not stated): ExAC 0.00003; TOPMed 0.00006.
gnomAD v4.1: 32 of 1,613,622 alleles (0.002%); highest among the groups gnomAD compares: African/African-American, 0.011%; no homozygotes.

Submissions (7):

CeGaT Center for Human Genetics Tuebingen
Classification: Likely benign. Last evaluated: 2026-03-01. Review status: criteria provided, single submitter. Criteria: CeGaT Center For Human Genetics Tuebingen Variant Classification Criteria Version 2. Collection method: clinical testing. Allele origin: germline. Affected: yes. Observed: 1 variant allele.
Comment: GATA2: BP4, BP7

Labcorp Genetics (formerly Invitae), Labcorp
Classification: Likely benign for Monocytopenia with susceptibility to infections; Deafness-lymphedema-leukemia syndrome. Last evaluated: 2025-12-24. Review status: criteria provided, single submitter. Criteria: Invitae Variant Classification Sherloc (09022015). Collection method: clinical testing. Allele origin: germline.

Mayo Clinic Laboratories, Mayo Clinic
Classification: Likely benign. Last evaluated: 2025-07-30. Review status: criteria provided, single submitter. Criteria: ACMG Guidelines, 2015. Collection method: clinical testing. Allele origin: germline. Observed: 1 variant allele.
Comment: BP4, BP7

Ambry Genetics
Classification: Likely benign for Inborn genetic diseases. Last evaluated: 2024-12-25. Review status: criteria provided, single submitter. Criteria: Ambry Variant Classification Scheme 2023. Collection method: clinical testing. Allele origin: germline.

Blueprint Genetics
Classification: Likely benign. Last evaluated: 2024-07-01. Review status: criteria provided, single submitter. Criteria: ACMG Guidelines, 2015. Collection method: clinical testing. Allele origin: germline.

Sema4
Classification: Likely benign for Hereditary cancer-predisposing syndrome. Last evaluated: 2021-02-04. Review status: criteria provided, single submitter. Criteria: Sema4 Curation Guidelines. Collection method: curation. Allele origin: germline.

Genetic Services Laboratory, University of Chicago
Classification: Uncertain significance. Last evaluated: 2016-08-19. Review status: criteria provided, single submitter. Criteria: ACMG Guidelines, 2015. Collection method: clinical testing. Allele origin: germline. Affected: no.

NM_032638.5(GATA2):c.1035C>T (p.Ala345=)

Gene: GATA2 (GATA binding protein 2; minus strand). Cytogenetic location: 3q21.3.
Variant type: single nucleotide variant.
Coding change: c.1035C>T on transcript NM_032638.5 (MANE Select); coding-DNA position 1035, C replaced by T.
Protein change: p.Ala345=; no amino-acid change (alanine 345 retained).
Molecular consequence: synonymous variant. On other transcripts: intron variant (1).
Genome position (GRCh38, 1-based): chr3:128,481,927, G>A on the plus strand (C>T on the coding strand, the complement: GATA2 is on the minus strand). VCF-style: chr3-128481927-G-A. GRCh37 (hg19) VCF-style: chr3-128200770-G-A.
Other names: p.Ala345=; c.1035C>T, p.Ala345= (NM_001145661.2); c.1018-25C>T (NM_001145662.1).
Identifiers: ClinVar variation 412763 (VCV000412763.23), dbSNP rs371599112, ClinGen allele CA2599875.
Genomic context (GRCh38, chr3:128,481,927, plus strand): 5'-GTTGGCGTTTCGGCGCCATAAGGTGGTGGTTGTCGTCTGACAATTTGCACAACAGGTGCC[G>A]GCTCTTCTGGCGGCCGACTGGGAGGGCAAGGCAGCGTCAGCAGGCTGGACTCCCACGCCC-3'
Protein context (NP_116027.2, residues 335-355): PKRRLSAARR[Ala345=]GTCCANCQTT